The following is an entry in ClinVar:

NM_001349798.2(FBXW7):c.1045A>G (p.Ser349Gly)

Gene: FBXW7 (F-box and WD repeat domain containing 7; minus strand). Cytogenetic location: 4q31.3.
Variant type: single nucleotide variant.
Coding change: c.1045A>G on transcript NM_001349798.2 (MANE Select); coding-DNA position 1045, A replaced by G.
Protein change: p.Ser349Gly; replaces serine 349 with glycine.
Molecular consequence: missense variant.
Genome position (GRCh38, 1-based): chr4:152,330,809, T>C on the plus strand (A>G on the coding strand, the complement: FBXW7 is on the minus strand). VCF-style: chr4-152330809-T-C. GRCh37 (hg19) VCF-style: chr4-153251961-T-C.
Other names: c.691A>G, p.Ser231Gly (NM_001013415.2); c.805A>G, p.Ser269Gly (NM_018315.5); c.1045A>G, p.Ser349Gly (NM_033632.3); short protein forms S231G, S269G, S349G.
Identifiers: ClinVar variation 2501977 (VCV002501977.1), dbSNP rs1729497503, ClinGen allele CA358619707.

ClinVar aggregate classification (germline): Uncertain significance (1 of 4 stars; one submission).

Allele frequency attached by ClinVar (database versions not stated): gnomAD exomes below 0.00001; TOPMed below 0.00001; gnomAD 0.00001.
gnomAD v4.1: 3 of 1,612,618 alleles (0.00019%); highest among the groups gnomAD compares: Non-Finnish European, 0.00025%; no homozygotes.

Submission:

GeneDx
Classification: Uncertain significance. Last evaluated: 2023-05-10. Review status: criteria provided, single submitter. Criteria: GeneDx Variant Classification Process June 2021. Collection method: clinical testing. Allele origin: germline. Affected: yes.
Comment: Not observed at significant frequency in large population cohorts (gnomAD); In silico analysis supports that this missense variant has a deleterious effect on protein structure/function; Has not been previously published as pathogenic or benign to our knowledge